The following is an entry in ClinVar:

NM_000492.4(CFTR):c.1177G>C (p.Val393Leu)

Gene: CFTR (CF transmembrane conductance regulator; plus strand). Cytogenetic location: 7q31.2.
Variant type: single nucleotide variant.
Coding change: c.1177G>C on transcript NM_000492.4 (MANE Select); coding-DNA position 1177, G replaced by C.
Protein change: p.Val393Leu; replaces valine 393 with leucine.
Molecular consequence: missense variant.
Genome position (GRCh38, 1-based): chr7:117,542,076, G>C. VCF-style: chr7-117542076-G-C. GRCh37 (hg19) VCF-style: chr7-117182130-G-C.
Other names: short protein forms V393L.
Identifiers: ClinVar variation 632757 (VCV000632757.4), dbSNP rs1562892874, ClinGen allele CA368980144.
Genomic context (GRCh38, chr7:117,542,076, plus strand): 5'-GATTTCTTACAAAAGCAAGAATATAAGACATTGGAATATAACTTAACGACTACAGAAGTA[G>C]TGATGGAGAATGTAACAGCCTTCTGGGAGGAGGTCAGAATTTTTAAAAAATTGTTTGCTC-3'
Protein context (NP_000483.3, residues 383-403): LEYNLTTTEV[Val393Leu]MENVTAFWEE

ClinVar aggregate classification (germline): Uncertain significance. Review status: criteria provided, multiple submitters, no conflicts (2 of 4 stars). 3 submissions from 3 submitters: Uncertain significance (2). 1 of the submissions does not count toward it. Last evaluated 2022-11-04.

Conditions:
Cystic fibrosis (CF). Also called: MUCOVISCIDOSIS. Identifiers: Orphanet 586, MedGen C0010674, MONDO:0009061, OMIM 219700. Disease mechanism: loss of function.
CFTR-related disorder (CFTR-RD). Also called: CFTR-related condition; CFTR-related disorders. Identifiers: MedGen C5924204, MONDO:7770004.

Allele frequency attached by ClinVar (database versions not stated): TOPMed below 0.00001; gnomAD exomes below 0.00001.
gnomAD v4.1: 4 of 1,602,414 alleles (0.00025%); highest among the groups gnomAD compares: Admixed American, 0.0017%; no homozygotes.

Submissions (3):

Ambry Genetics
Classification: Uncertain significance for Cystic fibrosis. Last evaluated: 2022-11-04. Review status: criteria provided, single submitter. Criteria: Ambry Variant Classification Scheme 2023. Collection method: clinical testing. Allele origin: germline.
Comment: The p.V393L variant (also known as c.1177G>C), located in coding exon 9 of the CFTR gene, results from a G to C substitution at nucleotide position 1177. The valine at codon 393 is replaced by leucine, an amino acid with highly similar properties. This amino acid position is conserved. In addition, the in silico prediction for this alteration is inconclusive. Since supporting evidence is limited at this time, the clinical significance of this alteration remains unclear.

Women's Health and Genetics/Laboratory Corporation of America, LabCorp
Classification: Uncertain significance. Last evaluated: 2018-12-03. Review status: criteria provided, single submitter. Criteria: LabCorp Variant Classification Summary - May 2015. Collection method: clinical testing. Allele origin: germline.
Comment: Variant summary: CFTR c.1177G>C (p.Val393Leu) results in a conservative amino acid change in the encoded protein sequence. Four of five in-silico tools predict a benign effect of the variant on protein function. The variant was absent in 245788 control chromosomes (gnomAD). The available data on variant occurrences in the general population are insufficient to allow any conclusion about variant significance. To our knowledge, no occurrence of c.1177G>C in individuals affected with Cystic Fibrosis and no experimental evidence demonstrating its impact on protein function have been reported. No clinical diagnostic laboratories have submitted clinical-significance assessments for this variant to ClinVar after 2014. Based on the evidence outlined above, the variant was classified as uncertain significance.

Natera, Inc.
Classification: Uncertain significance for CFTR-related disorders. Last evaluated: 2018-09-17. Review status: no assertion criteria provided. Collection method: clinical testing. Allele origin: germline. Not counted in ClinVar's aggregate classification.